The following is an entry in ClinVar:

ClinVar aggregate classification (germline): Uncertain significance. Review status: criteria provided, multiple submitters, no conflicts (2 of 4 stars). 2 submissions from 2 submitters: Uncertain significance (2). Last evaluated 2025-09-09.

Conditions:
RAI1-related disorder. Also called: RAI1-related condition.

Allele frequency attached by ClinVar (database versions not stated): gnomAD exomes below 0.00001.
gnomAD v4.1: 6 of 1,613,738 alleles (0.00037%); highest among the groups gnomAD compares: Non-Finnish European, 0.00051%; no homozygotes.

Submissions (2):

PreventionGenetics, part of Exact Sciences
Classification: Uncertain significance for RAI1-related condition. Last evaluated: 2025-09-09. Review status: criteria provided, single submitter. Criteria: ACMG Guidelines, 2015. Collection method: clinical testing. Allele origin: germline.
Comment: The RAI1 c.1039G>A variant is predicted to result in the amino acid substitution p.Ala347Thr. To our knowledge, this variant has not been reported in the literature or in a large population database (gnomAD), indicating this variant is rare. At this time, the clinical significance of this variant is uncertain due to the absence of conclusive functional and genetic evidence.

Labcorp Genetics (formerly Invitae), Labcorp
Classification: Uncertain significance. Last evaluated: 2024-10-23. Review status: criteria provided, single submitter. Criteria: Invitae Variant Classification Sherloc (09022015). Collection method: clinical testing. Allele origin: germline.
Comment: This sequence change replaces alanine, which is neutral and non-polar, with threonine, which is neutral and polar, at codon 347 of the RAI1 protein (p.Ala347Thr). This variant is not present in population databases (gnomAD no frequency). This variant has not been reported in the literature in individuals affected with RAI1-related conditions. ClinVar contains an entry for this variant (Variation ID: 1936547). Invitae Evidence Modeling of protein sequence and biophysical properties (such as structural, functional, and spatial information, amino acid conservation, physicochemical variation, residue mobility, and thermodynamic stability) indicates that this missense variant is expected to disrupt RAI1 protein function with a positive predictive value of 80%. In summary, the available evidence is currently insufficient to determine the role of this variant in disease. Therefore, it has been classified as a Variant of Uncertain Significance.

NM_030665.4(RAI1):c.1039G>A (p.Ala347Thr)

Gene: RAI1 (retinoic acid induced 1; plus strand). Cytogenetic location: 17p11.2.
Variant type: single nucleotide variant.
Coding change: c.1039G>A on transcript NM_030665.4 (MANE Select); coding-DNA position 1039, G replaced by A.
Protein change: p.Ala347Thr; replaces alanine 347 with threonine.
Molecular consequence: missense variant.
Genome position (GRCh38, 1-based): chr17:17,793,987, G>A. VCF-style: chr17-17793987-G-A. GRCh37 (hg19) VCF-style: chr17-17697301-G-A.
Other names: c.1039G>A (NM_030665.3); short protein forms A347T.
Identifiers: ClinVar variation 1936547 (VCV001936547.6), dbSNP rs2032130039, ClinGen allele CA398546767.